The following is an entry in ClinVar:

ClinVar aggregate classification (germline): Uncertain significance (1 of 4 stars; one submission).

Conditions:
Sialuria. Also called: SIALURIA, FRENCH TYPE; Sialic Acid Storage Disease. Identifiers: Orphanet 3166, MedGen C0342853, MONDO:0010028, OMIM 269921.
GNE myopathy (NM). Also called: NONAKA DISTAL MYOPATHY; INCLUSION BODY MYOPATHY, HEREDITARY, AUTOSOMAL RECESSIVE; INCLUSION BODY MYOPATHY 2, AUTOSOMAL RECESSIVE; MYOPATHY, DISTAL, WITH OR WITHOUT RIMMED VACUOLES; IBM 2; Inclusion body myopathy autosomal recessive. Identifiers: Orphanet 602, MedGen C1853926, MONDO:0011603, OMIM 605820.

Submission:

Labcorp Genetics (formerly Invitae), Labcorp
Classification: Uncertain significance for Sialuria; GNE myopathy. Last evaluated: 2024-12-23. Review status: criteria provided, single submitter. Criteria: Invitae Variant Classification Sherloc (09022015). Collection method: clinical testing. Allele origin: germline.
Comment: This sequence change replaces asparagine, which is neutral and polar, with serine, which is neutral and polar, at codon 225 of the GNE protein (p.Asn225Ser). This variant is not present in population databases (gnomAD no frequency). This variant has not been reported in the literature in individuals affected with GNE-related conditions. Invitae Evidence Modeling of protein sequence and biophysical properties (such as structural, functional, and spatial information, amino acid conservation, physicochemical variation, residue mobility, and thermodynamic stability) has been performed for this missense variant. However, the output from this modeling did not meet the statistical confidence thresholds required to predict the impact of this variant on GNE protein function. In summary, the available evidence is currently insufficient to determine the role of this variant in disease. Therefore, it has been classified as a Variant of Uncertain Significance.

NM_005476.7(GNE):c.581A>G (p.Asn194Ser)

Gene: GNE (glucosamine (UDP-N-acetyl)-2-epimerase/N-acetylmannosamine kinase; minus strand). Cytogenetic location: 9p13.3.
Variant type: single nucleotide variant.
Coding change: c.581A>G on transcript NM_005476.7 (MANE Select); coding-DNA position 581, A replaced by G.
Protein change: p.Asn194Ser; replaces asparagine 194 with serine.
Molecular consequence: missense variant.
Genome position (GRCh38, 1-based): chr9:36,246,066, T>C on the plus strand (A>G on the coding strand, the complement: GNE is on the minus strand). VCF-style: chr9-36246066-T-C. GRCh37 (hg19) VCF-style: chr9-36246063-T-C.
Other names: c.674A>G, p.Asn225Ser (NM_001128227.3); c.581A>G, p.Asn194Ser (NM_001190383.3, NM_001374797.1); c.404A>G, p.Asn135Ser (NM_001190384.3, NM_001190388.2, NM_001374798.1); short protein forms N135S, N194S, N225S.
Identifiers: ClinVar variation 3758004 (VCV003758004.2).